The following is an entry in ClinVar:

NM_001128205.2(SULF1):c.56G>A (p.Gly19Glu)

Gene: SULF1 (sulfatase 1; plus strand). Cytogenetic location: 8q13.2.
Variant type: single nucleotide variant.
Coding change: c.56G>A on transcript NM_001128205.2 (MANE Select); coding-DNA position 56, G replaced by A.
Protein change: p.Gly19Glu; replaces glycine 19 with glutamic acid.
Molecular consequence: missense variant. On other transcripts: non-coding transcript variant (2).
Genome position (GRCh38, 1-based): chr8:69,564,031, G>A. VCF-style: chr8-69564031-G-A. GRCh37 (hg19) VCF-style: chr8-70476266-G-A.
Other names: c.56G>A, p.Gly19Glu (NM_001412834.1, NM_001412835.1, NM_001412836.1 and 19 more transcripts); c.-154G>A (NM_001412841.1, NM_001412842.1); c.-471G>A (NM_001412844.1, NM_001412845.1); c.-1646G>A (NM_001412846.1); short protein forms G19E.
Identifiers: ClinVar variation 1952510 (VCV001952510.5), dbSNP rs773501788, ClinGen allele CA4775468.
Genomic context (GRCh38, chr8:69,564,031, plus strand): 5'-ATACAATGAAGTATTCTTGCTGTGCTCTGGTTTTGGCTGTCCTGGGCACAGAATTGCTGG[G>A]AAGCCTCTGTTCGACTGTCAGATCCCCGAGGTTCAGAGGACGGATACAGCAGGAACGAAA-3'
Protein context (NP_001121677.1, residues 9-29): VLAVLGTELL[Gly19Glu]SLCSTVRSPR

ClinVar aggregate classification (germline): Uncertain significance (1 of 4 stars; one submission).

Allele frequency attached by ClinVar (database versions not stated): gnomAD exomes below 0.00001; ExAC 0.00001.
gnomAD v4.1: 1 of 1,614,186 alleles (0.000062%); highest among the groups gnomAD compares: Non-Finnish European, 0.000085%; no homozygotes.

Submission:

Labcorp Genetics (formerly Invitae), Labcorp
Classification: Uncertain significance. Last evaluated: 2022-09-17. Review status: criteria provided, single submitter. Criteria: Invitae Variant Classification Sherloc (09022015). Collection method: clinical testing. Allele origin: germline.
Comment: This sequence change replaces glycine, which is neutral and non-polar, with glutamic acid, which is acidic and polar, at codon 19 of the SULF1 protein (p.Gly19Glu). Algorithms developed to predict the effect of missense changes on protein structure and function (SIFT, PolyPhen-2, Align-GVGD) all suggest that this variant is likely to be tolerated. In summary, the available evidence is currently insufficient to determine the role of this variant in disease. Therefore, it has been classified as a Variant of Uncertain Significance. This variant has not been reported in the literature in individuals affected with SULF1-related conditions. This variant is present in population databases (rs773501788, gnomAD 0.0009%).